The following is an entry in ClinVar:

ClinVar aggregate classification (germline): Uncertain significance (1 of 4 stars; one submission).

Conditions:
LAMA2-related muscular dystrophy (LAMA2-RD). Also called: Laminin alpha 2-related dystrophy. Identifiers: MedGen C5679788, MONDO:0100228.

Allele frequency attached by ClinVar (database versions not stated): TOPMed below 0.00001; gnomAD 0.00001.
gnomAD v4.1: 1 of 1,614,034 alleles (0.000062%); highest among the groups gnomAD compares: African/African-American, 0.0013%; no homozygotes.

Submission:

Labcorp Genetics (formerly Invitae), Labcorp
Classification: Uncertain significance for LAMA2-related muscular dystrophy. Last evaluated: 2022-05-07. Review status: criteria provided, single submitter. Criteria: Invitae Variant Classification Sherloc (09022015). Collection method: clinical testing. Allele origin: germline.
Comment: This sequence change replaces aspartic acid, which is acidic and polar, with glutamic acid, which is acidic and polar, at codon 1114 of the LAMA2 protein (p.Asp1114Glu). In summary, the available evidence is currently insufficient to determine the role of this variant in disease. Therefore, it has been classified as a Variant of Uncertain Significance. Advanced modeling of protein sequence and biophysical properties (such as structural, functional, and spatial information, amino acid conservation, physicochemical variation, residue mobility, and thermodynamic stability) performed at Invitae indicates that this missense variant is not expected to disrupt LAMA2 protein function. This variant has not been reported in the literature in individuals affected with LAMA2-related conditions. This variant is not present in population databases (gnomAD no frequency).

NM_000426.4(LAMA2):c.3342T>G (p.Asp1114Glu)

Gene: LAMA2 (laminin subunit alpha 2; plus strand). Cytogenetic location: 6q22.33.
Variant type: single nucleotide variant.
Coding change: c.3342T>G on transcript NM_000426.4 (MANE Select); coding-DNA position 3342, T replaced by G.
Protein change: p.Asp1114Glu; replaces aspartic acid 1114 with glutamic acid.
Molecular consequence: missense variant.
Genome position (GRCh38, 1-based): chr6:129,313,028, T>G. VCF-style: chr6-129313028-T-G. GRCh37 (hg19) VCF-style: chr6-129634173-T-G.
Other names: c.3342T>G, p.Asp1114Glu (NM_001079823.2); short protein forms D1114E.
Identifiers: ClinVar variation 2135210 (VCV002135210.4), dbSNP rs1774329656, ClinGen allele CA365612002.